The following is an entry in ClinVar:

ClinVar aggregate classification (germline): Uncertain significance (1 of 4 stars; one submission).

Conditions:
Beckwith-Wiedemann syndrome (BWS). Also called: EMG SYNDROME; Exomphalos macroglossia gigantism syndrome. Identifiers: Orphanet 116, MedGen C0004903, MONDO:0007534, OMIM 130650.

Allele frequency attached by ClinVar (database versions not stated): gnomAD 0.00001.

Submission:

Labcorp Genetics (formerly Invitae), Labcorp
Classification: Uncertain significance for Beckwith-Wiedemann syndrome. Last evaluated: 2023-01-07. Review status: criteria provided, single submitter. Criteria: Invitae Variant Classification Sherloc (09022015). Collection method: clinical testing. Allele origin: germline.
Comment: In summary, the available evidence is currently insufficient to determine the role of this variant in disease. Therefore, it has been classified as a Variant of Uncertain Significance. Advanced modeling of protein sequence and biophysical properties (such as structural, functional, and spatial information, amino acid conservation, physicochemical variation, residue mobility, and thermodynamic stability) performed at Invitae indicates that this missense variant is not expected to disrupt CDKN1C protein function. ClinVar contains an entry for this variant (Variation ID: 1353661). This variant has not been reported in the literature in individuals affected with CDKN1C-related conditions. The frequency data for this variant in the population databases is considered unreliable, as metrics indicate poor data quality at this position in the gnomAD database. This sequence change replaces proline, which is neutral and non-polar, with arginine, which is basic and polar, at codon 206 of the CDKN1C protein (p.Pro206Arg).

NM_001122630.2(CDKN1C):c.584C>G (p.Pro195Arg)

Gene: CDKN1C (cyclin dependent kinase inhibitor 1C; minus strand). Cytogenetic location: 11p15.4.
Variant type: single nucleotide variant.
Coding change: c.584C>G on transcript NM_001122630.2 (MANE Select); coding-DNA position 584, C replaced by G.
Protein change: p.Pro195Arg; replaces proline 195 with arginine.
Molecular consequence: missense variant. On other transcripts: intron variant (1).
Genome position (GRCh38, 1-based): chr11:2,884,873, G>C on the plus strand (C>G on the coding strand, the complement: CDKN1C is on the minus strand). VCF-style: chr11-2884873-G-C. GRCh37 (hg19) VCF-style: chr11-2906103-G-C.
Other names: c.617C>G, p.Pro206Arg (NM_000076.2, NM_001362474.2); c.584C>G, p.Pro195Arg (NM_001122631.2); c.255+329C>G (NM_001362475.2); short protein forms P206R, P195R.
Identifiers: ClinVar variation 1353661 (VCV001353661.8), dbSNP rs1182342, ClinGen allele CA216367267.